The following is an entry in ClinVar:

ClinVar aggregate classification (germline): Likely benign (1 of 4 stars; one submission).

Allele frequency attached by ClinVar (database versions not stated): gnomAD 0.00104; TOPMed 0.00119; ESP Exome Variant Server 0.00169; ExAC 0.00175.
gnomAD v4.1: 1,914 of 1,613,976 alleles (0.12%); highest among the groups gnomAD compares: South Asian, 0.17%; 21 homozygotes.

Submission:

CeGaT Center for Human Genetics Tuebingen
Classification: Likely benign. Last evaluated: 2022-11-01. Review status: criteria provided, single submitter. Criteria: CeGaT Center For Human Genetics Tuebingen Variant Classification Criteria Version 2. Collection method: clinical testing. Allele origin: germline. Affected: yes. Observed: 1 variant allele.
Comment: ZNF536: BP4, BP7

NM_014717.3(ZNF536):c.2421C>T (p.Asn807=)

Gene: ZNF536 (zinc finger protein 536; plus strand). Cytogenetic location: 19q12.
Variant type: single nucleotide variant.
Coding change: c.2421C>T on transcript NM_014717.3 (MANE Select); coding-DNA position 2421, C replaced by T.
Protein change: p.Asn807=; no amino-acid change (asparagine 807 retained).
Molecular consequence: synonymous variant.
Genome position (GRCh38, 1-based): chr19:30,548,040, C>T. VCF-style: chr19-30548040-C-T. GRCh37 (hg19) VCF-style: chr19-31038947-C-T.
Other names: c.2421C>T, p.Asn807= (NM_001352260.2, NM_001376110.1, NM_001376111.1).
Identifiers: ClinVar variation 2649673 (VCV002649673.24), dbSNP rs142398595, ClinGen allele CA9353558.